The following is an entry in ClinVar:

ClinVar aggregate classification (germline): Pathogenic. Review status: reviewed by expert panel (3 of 4 stars). 6 submissions from 6 submitters: Pathogenic (1). 5 of the submissions do not count toward it. Last evaluated 2016-09-08.

Conditions:
Hereditary cancer-predisposing syndrome. Also called: Tumor predisposition; Hereditary Cancer Syndrome; Neoplastic Syndromes, Hereditary; Hereditary neoplastic syndrome. Identifiers: Orphanet 140162, MedGen C0027672, MeSH D009386, MONDO:0015356.
Breast-ovarian cancer, familial, susceptibility to, 2 (BROVCA2). Also called: BRCA2 Hereditary Breast and Ovarian Cancer. Identifiers: Orphanet 145, MedGen C2675520, MONDO:0012933, OMIM 612555. Disease mechanism: loss of function.

Submissions (6):

Evidence-based Network for the Interpretation of Germline Mutant Alleles (ENIGMA)
Classification: Pathogenic for Breast-ovarian cancer, familial, susceptibility to, 2. Last evaluated: 2016-09-08. Review status: reviewed by expert panel. Criteria: ENIGMA BRCA1/2 Classification Criteria (2015). Collection method: curation. Allele origin: germline.
Comment: Variant allele predicted to encode a truncated non-functional protein.

Ambry Genetics
Classification: Pathogenic for Hereditary cancer-predisposing syndrome. Last evaluated: 2024-06-27. Review status: criteria provided, single submitter. Criteria: Ambry Variant Classification Scheme 2023. Collection method: clinical testing. Allele origin: germline. Not counted in ClinVar's aggregate classification.
Comment: The p.K1691* pathogenic mutation (also known as c.5071A>T), located in coding exon 10 of the BRCA2 gene, results from an A to T substitution at nucleotide position 5071. This changes the amino acid from a lysine to a stop codon within coding exon 10. This alteration has been detected in 1/1824 patients with triple negative breast cancer who were unselected for a family history of breast or ovarian cancer (Couch FJ et al. J Clin Oncol. 2015 Feb 1;33(4):304-11). This variant is considered to be rare based on population cohorts in the Genome Aggregation Database (gnomAD). In addition to the clinical data presented in the literature, this alteration is expected to result in loss of function by premature protein truncation or nonsense-mediated mRNA decay. As such, this alteration is interpreted as a disease-causing mutation.

Color Diagnostics, LLC DBA Color Health
Classification: Pathogenic for Hereditary cancer-predisposing syndrome. Last evaluated: 2021-04-05. Review status: criteria provided, single submitter. Criteria: ACMG Guidelines, 2015. Collection method: clinical testing. Allele origin: germline. Not counted in ClinVar's aggregate classification.
Comment: This variant changes 1 nucleotide in exon 11 of the BRCA2 gene, creating a premature translation stop signal. This variant is expected to result in an absent or non-functional protein product. To our knowledge, functional studies have not been reported for this variant. This variant has been detected in an individual affected with triple-negative breast cancer (PMID: 25452441). This variant has not been identified in the general population by the Genome Aggregation Database (gnomAD). Loss of BRCA2 function is a known mechanism of disease. Based on the available evidence, this variant is classified as Pathogenic.

GeneDx
Classification: Pathogenic. Last evaluated: 2015-04-22. Review status: criteria provided, single submitter. Criteria: GeneDx Variant Classification (06012015). Collection method: clinical testing. Allele origin: germline. Affected: yes. Not counted in ClinVar's aggregate classification.
Comment: This pathogenic variant is denoted BRCA2 c.5071A>T at the cDNA level and p.Lys1691Ter (K1691X) at the protein level. The substitution creates a nonsense variant, which changes a Lysine to a premature stop codon (AAA>TAA), and is predicted to cause loss of normal protein function through either protein truncation or nonsense-mediated mRNA decay. This variant, also known as 5299A>T using alternate nomenclature, has been observed in association with breast cancer (Couch 2015). This variant is considered pathogenic.

Diagnostic Laboratory, Department of Genetics, University Medical Center Groningen
Classification: Pathogenic. Review status: no assertion criteria provided. Collection method: clinical testing. Allele origin: germline. Affected: yes. Study: VKGL Data-share Consensus. Not counted in ClinVar's aggregate classification.

Joint Genome Diagnostic Labs from Nijmegen and Maastricht, Radboudumc and MUMC+
Classification: Pathogenic. Review status: no assertion criteria provided. Collection method: clinical testing. Allele origin: germline. Affected: yes. Study: VKGL Data-share Consensus. Not counted in ClinVar's aggregate classification.

NM_000059.4(BRCA2):c.5071A>T (p.Lys1691Ter)

Gene: BRCA2 (BRCA2 DNA repair associated; plus strand). Cytogenetic location: 13q13.1.
Variant type: single nucleotide variant.
Coding change: c.5071A>T on transcript NM_000059.4 (MANE Select); coding-DNA position 5071, A replaced by T.
Protein change: p.Lys1691Ter; replaces lysine 1691 with a stop codon.
Molecular consequence: nonsense.
Genome position (GRCh38, 1-based): chr13:32,339,426, A>T. VCF-style: chr13-32339426-A-T. GRCh37 (hg19) VCF-style: chr13-32913563-A-T.
Other names: short protein forms K1691*.
Identifiers: ClinVar variation 254548 (VCV000254548.15), dbSNP rs886038116, ClinGen allele CA10586534.